The following is an entry in ClinVar:

NM_007327.4(GRIN1):c.2693A>G (p.Lys898Arg)

Gene: GRIN1 (glutamate ionotropic receptor NMDA type subunit 1; plus strand). Cytogenetic location: 9q34.3.
Variant type: single nucleotide variant.
Coding change: c.2693A>G on transcript NM_007327.4 (MANE Select); coding-DNA position 2693, A replaced by G.
Protein change: p.Lys898Arg; replaces lysine 898 with arginine.
Molecular consequence: missense variant. On other transcripts: intron variant (3).
Genome position (GRCh38, 1-based): chr9:137,165,289, A>G. VCF-style: chr9-137165289-A-G. GRCh37 (hg19) VCF-style: chr9-140059741-A-G.
Other names: c.2756A>G, p.Lys919Arg (NM_001185090.2); c.2652+1385A>G (NM_001185091.2); c.2589+1385A>G (NM_021569.4, NM_000832.7); short protein forms K919R, K898R.
Identifiers: ClinVar variation 3697521 (VCV003697521.2).

ClinVar aggregate classification (germline): Uncertain significance (1 of 4 stars; one submission).

Conditions:
Neurodevelopmental disorder with or without hyperkinetic movements and seizures, autosomal dominant. Also called: Intellectual disability, autosomal dominant 8. Identifiers: MedGen C3280282, MONDO:0013655, OMIM 614254.

Submission:

Labcorp Genetics (formerly Invitae), Labcorp
Classification: Uncertain significance for Neurodevelopmental disorder with or without hyperkinetic movements and seizures, autosomal dominant. Last evaluated: 2024-12-23. Review status: criteria provided, single submitter. Criteria: Invitae Variant Classification Sherloc (09022015). Collection method: clinical testing. Allele origin: germline.
Comment: This sequence change replaces lysine, which is basic and polar, with arginine, which is basic and polar, at codon 898 of the GRIN1 protein (p.Lys898Arg). This variant is not present in population databases (gnomAD no frequency). This variant has not been reported in the literature in individuals affected with GRIN1-related conditions. Invitae Evidence Modeling of protein sequence and biophysical properties (such as structural, functional, and spatial information, amino acid conservation, physicochemical variation, residue mobility, and thermodynamic stability) indicates that this missense variant is expected to disrupt GRIN1 protein function with a positive predictive value of 95%. In summary, the available evidence is currently insufficient to determine the role of this variant in disease. Therefore, it has been classified as a Variant of Uncertain Significance.